The following is an entry in ClinVar:

NM_001933.5(DLST):c.258T>C (p.Asp86=)

Gene: DLST (dihydrolipoamide S-succinyltransferase; plus strand). Cytogenetic location: 14q24.3.
Variant type: single nucleotide variant.
Coding change: c.258T>C on transcript NM_001933.5 (MANE Select); coding-DNA position 258, T replaced by C.
Protein change: p.Asp86=; no amino-acid change (aspartic acid 86 retained).
Molecular consequence: synonymous variant. On other transcripts: non-coding transcript variant (2).
Genome position (GRCh38, 1-based): chr14:74,889,333, T>C. VCF-style: chr14-74889333-T-C. GRCh37 (hg19) VCF-style: chr14-75356036-T-C.
Other names: c.258T>C, p.Asp86= (NM_001244883.2).
Identifiers: ClinVar variation 3659809 (VCV003659809.2).

ClinVar aggregate classification (germline): Uncertain significance (1 of 4 stars; one submission).

gnomAD v4.1: 2 of 1,609,782 alleles (0.00012%); highest among the groups gnomAD compares: African/African-American, 0.0013%; no homozygotes.

Submission:

Labcorp Genetics (formerly Invitae), Labcorp
Classification: Uncertain significance. Last evaluated: 2025-01-23. Review status: criteria provided, single submitter. Criteria: Invitae Variant Classification Sherloc (09022015). Collection method: clinical testing. Allele origin: germline.
Comment: This sequence change affects codon 86 of the DLST mRNA. It is a 'silent' change, meaning that it does not change the encoded amino acid sequence of the DLST protein. This variant is present in population databases (no rsID available, gnomAD 0.007%). This variant has not been reported in the literature in individuals affected with DLST-related conditions. Experimental studies and prediction algorithms are not available or were not evaluated, and the effect of this variant on mRNA splicing is currently unknown. In summary, the available evidence is currently insufficient to determine the role of this variant in disease. Therefore, it has been classified as a Variant of Uncertain Significance.